The following is an entry in ClinVar:

ClinVar aggregate classification (germline): Uncertain significance. Review status: criteria provided, multiple submitters, no conflicts (2 of 4 stars). 2 submissions from 2 submitters: Uncertain significance (2). Last evaluated 2022-01-20.

Conditions:
Immunodeficiency 49 (IMD49). Also called: SEVERE COMBINED IMMUNODEFICIENCY, T CELL-NEGATIVE, B CELL-POSITIVE, NK CELL-POSITIVE, WITH INTELLECTUAL DISABILITY, SPASTICITY, AND CRANIOFACIAL ABNORMALITIES; SCID, T CELL-NEGATIVE, B CELL-POSITIVE, NK CELL-POSITIVE, WITH INTELLECTUAL DISABILITY, SPASTICITY, AND CRANIOFACIAL ABNORMALITIES; IMMUNODEFICIENCY 49, SEVERE COMBINED. Identifiers: MedGen C4310656, MONDO:0014981, OMIM 617237.

Allele frequency attached by ClinVar (database versions not stated): gnomAD exomes below 0.00001 and 0.00001; TOPMed 0.00001.
gnomAD v4.1: 7 of 1,609,296 alleles (0.00043%); highest among the groups gnomAD compares: Non-Finnish European, 0.00059%; no homozygotes.

Submissions (2):

Centre of Medical Genetics, University Hospital Muenster
Classification: Uncertain significance for Immunodeficiency 49. Last evaluated: 2022-01-20. Review status: criteria provided, single submitter. Criteria: ACMG Guidelines, 2015. Collection method: clinical testing. Allele origin: germline. Affected: yes. Observed: 1 variant allele, 1 heterozygote.
Comment: ACMG categories: PM2,PP3,BP1

Labcorp Genetics (formerly Invitae), Labcorp
Classification: Uncertain significance. Last evaluated: 2021-12-19. Review status: criteria provided, single submitter. Criteria: Invitae Variant Classification Sherloc (09022015). Collection method: clinical testing. Allele origin: germline.
Comment: This sequence change replaces arginine, which is basic and polar, with histidine, which is basic and polar, at codon 247 of the BCL11B protein (p.Arg247His). The frequency data for this variant in the population databases is considered unreliable, as metrics indicate poor data quality at this position in the gnomAD database. This missense change has been observed in individual(s) with combined immunodeficiency (PMID: 32185379). Algorithms developed to predict the effect of missense changes on protein structure and function are either unavailable or do not agree on the potential impact of this missense change (SIFT: "Deleterious"; PolyPhen-2: "Probably Damaging"; Align-GVGD: "Class C0"). In summary, the available evidence is currently insufficient to determine the role of this variant in disease. Therefore, it has been classified as a Variant of Uncertain Significance.

Literature cited by the submitters: PubMed 32185379 (cited by Labcorp Genetics (formerly Invitae), Labcorp).

NM_138576.4(BCL11B):c.740G>A (p.Arg247His)

Gene: BCL11B (BCL11 transcription factor B; minus strand). Cytogenetic location: 14q32.2.
Variant type: single nucleotide variant.
Coding change: c.740G>A on transcript NM_138576.4 (MANE Select); coding-DNA position 740, G replaced by A.
Protein change: p.Arg247His; replaces arginine 247 with histidine.
Molecular consequence: missense variant.
Genome position (GRCh38, 1-based): chr14:99,176,096, C>T on the plus strand (G>A on the coding strand, the complement: BCL11B is on the minus strand). VCF-style: chr14-99176096-C-T. GRCh37 (hg19) VCF-style: chr14-99642433-C-T.
Other names: c.737G>A, p.Arg246His (NM_001282237.2); c.524G>A, p.Arg175His (NM_001282238.2); c.527G>A, p.Arg176His (NM_022898.3); short protein forms R175H, R176H, R246H, R247H.
Identifiers: ClinVar variation 1675189 (VCV001675189.7), dbSNP rs748264333, ClinGen allele CA7339801.